The following is an entry in ClinVar:

NM_020928.2(ZSWIM6):c.3188A>G (p.Gln1063Arg)

Gene: ZSWIM6 (zinc finger SWIM-type containing 6; plus strand). Cytogenetic location: 5q12.1.
Variant type: single nucleotide variant.
Coding change: c.3188A>G on transcript NM_020928.2 (MANE Select); coding-DNA position 3188, A replaced by G.
Protein change: p.Gln1063Arg; replaces glutamine 1063 with arginine.
Molecular consequence: missense variant.
Genome position (GRCh38, 1-based): chr5:61,543,857, A>G. VCF-style: chr5-61543857-A-G. GRCh37 (hg19) VCF-style: chr5-60839684-A-G.
Other names: short protein forms Q1063R.
Identifiers: ClinVar variation 3781313 (VCV003781313.1).
Genomic context (GRCh38, chr5:61,543,857, plus strand): 5'-CCATGAGGGCCTACAAGCTGGCCACCCTGGCCATGACCCATCTCAACCTGAGCTACAATC[A>G]GGACACACACCCTGCCATTAATGATGTTTTGTGGGCCTGTGCGCTTAGCCACTCCCTTGG-3'
Protein context (NP_065979.1, residues 1053-1073): AMTHLNLSYN[Gln1063Arg]DTHPAINDVL

ClinVar aggregate classification (germline): Uncertain significance (1 of 4 stars; one submission).

Submission:

GeneDx
Classification: Uncertain significance. Last evaluated: 2024-10-21. Review status: criteria provided, single submitter. Criteria: GeneDx Variant Classification Process June 2021. Collection method: clinical testing. Allele origin: germline. Affected: yes.
Comment: Not observed at significant frequency in large population cohorts (gnomAD); In silico analysis supports that this missense variant has a deleterious effect on protein structure/function; Has not been previously published as pathogenic or benign to our knowledge